The following is an entry in ClinVar:

NM_001105206.3(LAMA4):c.297+260T>C

Gene: LAMA4 (laminin subunit alpha 4; minus strand). Cytogenetic location: 6q21.
Variant type: single nucleotide variant.
Coding change: c.297+260T>C on transcript NM_001105206.3 (MANE Select); 260 bases into the intron after coding-DNA position 297, T replaced by C.
Molecular consequence: intron variant.
Genome position (GRCh38, 1-based): chr6:112,216,108, A>G on the plus strand (T>C on the coding strand, the complement: LAMA4 is on the minus strand). VCF-style: chr6-112216108-A-G. GRCh37 (hg19) VCF-style: chr6-112537309-A-G.
Other names: c.297+260T>C (NM_002290.5, NM_001105207.3).
Identifiers: ClinVar variation 672776 (VCV000672776.1), dbSNP rs116555220, ClinGen allele CA145039347.

ClinVar aggregate classification (germline): Likely benign (1 of 4 stars; one submission).

Allele frequency attached by ClinVar (database versions not stated): gnomAD 0.01271; 1000 Genomes Project 0.01398; TOPMed 0.01413; 1000 Genomes Project 30x 0.01562.
gnomAD v4.1: 1,892 of 152,292 alleles (1.2%); highest among the groups gnomAD compares: African/African-American, 4.4%; 36 homozygotes.

Submission:

GeneDx
Classification: Likely benign. Last evaluated: 2018-06-14. Review status: criteria provided, single submitter. Criteria: GeneDx Variant Classification (06012015). Collection method: clinical testing. Allele origin: germline. Affected: yes.
Comment: This variant is considered likely benign or benign based on one or more of the following criteria: it is a conservative change, it occurs at a poorly conserved position in the protein, it is predicted to be benign by multiple in silico algorithms, and/or has population frequency not consistent with disease.